The following is an entry in ClinVar:

ClinVar aggregate classification (germline): Pathogenic (1 of 4 stars; one submission).

Submission:

Labcorp Genetics (formerly Invitae), Labcorp
Classification: Pathogenic. Last evaluated: 2022-07-14. Review status: criteria provided, single submitter. Criteria: Invitae Variant Classification Sherloc (09022015). Collection method: clinical testing. Allele origin: germline.
Comment: For these reasons, this variant has been classified as Pathogenic. ClinVar contains an entry for this variant (Variation ID: 1434457). This variant has not been reported in the literature in individuals affected with NFKB1-related conditions. This variant is not present in population databases (gnomAD no frequency). This sequence change creates a premature translational stop signal (p.Gly299Glufs*133) in the NFKB1 gene. It is expected to result in an absent or disrupted protein product. Loss-of-function variants in NFKB1 are known to be pathogenic (PMID: 26279205, 29477724).

Literature cited by the submitters: PubMed 26279205; PubMed 29477724.

NM_003998.4(NFKB1):c.896del (p.Gly299fs)

Gene: NFKB1 (nuclear factor kappa B subunit 1; plus strand). Cytogenetic location: 4q24.
Variant type: Deletion.
Coding change: c.896del on transcript NM_003998.4 (MANE Select); coding-DNA position 896, one base deleted (G; older notation c.896delG).
Protein change: p.Gly299fs; shifts the reading frame from glycine 299.
Molecular consequence: frameshift variant.
Genome position (GRCh38, 1-based): chr4:102,582,926, G deleted; the last of 2 consecutive G bases (chr4:102,582,925-102,582,926); deleting either gives the same sequence. VCF-style (leftmost placement, unchanged base first): chr4-102582924-TG-T. GRCh37 (hg19) VCF-style: chr4-103504081-TG-T.
Other names: c.893del, p.Gly298fs (NM_001165412.2, NM_001319226.2, NM_001382627.1); c.896del, p.Gly299fs (NM_001382625.1, NM_001382626.1); c.854del, p.Gly285fs (NM_001382628.1); short protein forms G299fs, G285fs, G298fs.
Identifiers: ClinVar variation 1434457 (VCV001434457.6), dbSNP rs2149190155, ClinGen allele CA2573137881.